The following is an entry in ClinVar:

ClinVar aggregate classification (germline): Uncertain significance (0 of 4 stars; one submission).

Conditions:
Congenital heart disease (CHD). Identifiers: MedGen C0152021, MONDO:0005453. Disease mechanism: unknown.

Submission:

Cytogenetics- Mohapatra Lab, Banaras Hindu University
Classification: Uncertain significance for Congenital heart disease. Last evaluated: 2012-11-02. Review status: no assertion criteria provided. Collection method: case-control. Allele origin: unknown. Affected: yes. Observed: 1 variant allele.
Comment: Atrial septal defect with ventricular septal defect

NM_004387.4(NKX2-5):c.335-12G>A

Gene: NKX2-5 (NK2 homeobox 5; minus strand). Cytogenetic location: 5q35.1.
Variant type: single nucleotide variant.
Coding change: c.335-12G>A on transcript NM_004387.4 (MANE Select); 12 bases into the intron before coding-DNA position 335, G replaced by A.
Molecular consequence: intron variant. On other transcripts: 3 prime UTR variant (2).
Genome position (GRCh38, 1-based): chr5:173,233,221, C>T on the plus strand (G>A on the coding strand, the complement: NKX2-5 is on the minus strand). VCF-style: chr5-173233221-C-T. GRCh37 (hg19) VCF-style: chr5-172660224-C-T.
Other names: c.*276G>A (NM_001166175.2); c.*122G>A (NM_001166176.2).
Identifiers: ClinVar variation 219166 (VCV000219166.2), dbSNP rs864321646, ClinGen allele CA279922.
Genomic context (GRCh38, chr5:173,233,221, plus strand): 5'-TCCGCCTCTGTCTTCTCCAGCTCCACCGCCTTCTGCAGCGCGCACAGCTCTGAGGGGGAA[C>T]AGAGAGGCAGAGAGACGCTTGGTAAGAGCGGCTTGACCTACGGAGCGCGGCCGCACAGTA-3'